The following is an entry in ClinVar:

ClinVar aggregate classification (germline): Pathogenic. Review status: criteria provided, multiple submitters, no conflicts (2 of 4 stars). 2 submissions from 2 submitters: Pathogenic (2). Last evaluated 2024-06-20.

Conditions:
RPE65-related recessive retinopathy. Also called: Recessive RPE65 retinopathy. Identifiers: MedGen CN305526, MONDO:0100368.
Leber congenital amaurosis 2 (LCA2). Also called: Autosomal Recessive RPE65-Related Retinal Degeneration; AMAUROSIS CONGENITA OF LEBER II. Identifiers: Orphanet 65, MedGen C1859844, MONDO:0008765, OMIM 204100. Disease mechanism: loss of function.

Allele frequency attached by ClinVar (database versions not stated): ExAC 0.00001.

Submissions (2):

Myriad Genetics, Inc.
Classification: Pathogenic for RPE65-related recessive retinopathy. Last evaluated: 2024-06-20. Review status: criteria provided, single submitter. Criteria: Myriad Autosomal Dominant, Autosomal Recessive and X-Linked Classification Criteria (2023). Collection method: clinical testing. Allele origin: unknown.
Comment: NM_000329.2(RPE65):c.190delC(Q64Kfs*30) is expected to be pathogenic in the context of inherited retinal dystrophy, RPE65-related. This variant is predicted to lead to an abnormal or absent protein product due to the creation of a premature termination codon in RPE65, a gene where loss-of-function variants are known to be pathogenic. Please note: this variant was assessed in the context of healthy population screening.

Baylor Genetics
Classification: Pathogenic for Leber congenital amaurosis 2. Last evaluated: 2023-02-09. Review status: criteria provided, single submitter. Criteria: ACMG Guidelines, 2015. Collection method: clinical testing. Allele origin: unknown.

NM_000329.3(RPE65):c.190del (p.Gln64fs)

Gene: RPE65 (retinoid isomerohydrolase RPE65; minus strand). Cytogenetic location: 1p31.3.
Variant type: Deletion.
Coding change: c.190del on transcript NM_000329.3 (MANE Select); coding-DNA position 190, one base deleted (C; older notation c.190delC).
Protein change: p.Gln64fs; shifts the reading frame from glutamine 64.
Molecular consequence: frameshift variant. On other transcripts: 5 prime UTR variant (1), intron variant (1).
Genome position (GRCh38, 1-based): chr1:68,446,765, G deleted on the plus strand (C on the coding strand, the reverse complement: RPE65 is on the minus strand). VCF-style (leftmost placement, unchanged base first): chr1-68446764-TG-T. GRCh37 (hg19) VCF-style: chr1-68912447-TG-T.
Other names: c.190del, p.Gln64fs (NM_001406853.1, NM_001406859.1, NM_001406860.1); c.-87del (NM_001406857.1); c.-32+1859del (NM_001406856.1); short protein forms Q64fs.
Identifiers: ClinVar variation 2678443 (VCV002678443.2), dbSNP rs764160079, ClinGen allele CA902585.